The following is an entry in ClinVar:

NM_001370466.1(NOD2):c.373A>G (p.Met125Val)

Gene: NOD2 (nucleotide binding oligomerization domain containing 2; plus strand). Cytogenetic location: 16q12.1.
Variant type: single nucleotide variant.
Coding change: c.373A>G on transcript NM_001370466.1 (MANE Select); coding-DNA position 373, A replaced by G.
Protein change: p.Met125Val; replaces methionine 125 with valine.
Molecular consequence: missense variant. On other transcripts: non-coding transcript variant (1).
Genome position (GRCh38, 1-based): chr16:50,699,868, A>G. VCF-style: chr16-50699868-A-G. GRCh37 (hg19) VCF-style: chr16-50733779-A-G.
Other names: c.373A>G, p.Met125Val (NM_001293557.2); c.454A>G, p.Met152Val (NM_022162.3); short protein forms M152V, M125V.
Identifiers: ClinVar variation 1506847 (VCV001506847.6), dbSNP rs2150782623, ClinGen allele CA395866744.

ClinVar aggregate classification (germline): Uncertain significance (1 of 4 stars; one submission).

Conditions:
Regional enteritis. Also called: Enteritis, Granulomatous. Identifiers: MedGen C0678202, MeSH D003424.
Blau syndrome (BLAUS). Also called: GRANULOMATOSIS, FAMILIAL JUVENILE SYSTEMIC; GRANULOMATOSIS, FAMILIAL, BLAU TYPE; GRANULOMATOUS INFLAMMATORY ARTHRITIS, DERMATITIS, AND UVEITIS, FAMILIAL; JABS SYNDROME; ARTHROCUTANEOUVEAL GRANULOMATOSIS. Identifiers: Orphanet 90340, MedGen C5201146, MONDO:0008523, OMIM 186580.

Submission:

Labcorp Genetics (formerly Invitae), Labcorp
Classification: Uncertain significance for Regional enteritis; Blau syndrome. Last evaluated: 2022-03-02. Review status: criteria provided, single submitter. Criteria: Invitae Variant Classification Sherloc (09022015). Collection method: clinical testing. Allele origin: germline.
Comment: This sequence change replaces methionine, which is neutral and non-polar, with valine, which is neutral and non-polar, at codon 152 of the NOD2 protein (p.Met152Val). This variant is not present in population databases (gnomAD no frequency). This variant has not been reported in the literature in individuals affected with NOD2-related conditions. Advanced modeling of protein sequence and biophysical properties (such as structural, functional, and spatial information, amino acid conservation, physicochemical variation, residue mobility, and thermodynamic stability) performed at Invitae indicates that this missense variant is not expected to disrupt NOD2 protein function. In summary, the available evidence is currently insufficient to determine the role of this variant in disease. Therefore, it has been classified as a Variant of Uncertain Significance.